The following is an entry in ClinVar:

ClinVar aggregate classification (germline): Uncertain significance (1 of 4 stars; one submission).

Submission:

Labcorp Genetics (formerly Invitae), Labcorp
Classification: Uncertain significance. Last evaluated: 2025-07-23. Review status: criteria provided, single submitter. Criteria: Invitae Variant Classification Sherloc (09022015). Collection method: clinical testing. Allele origin: germline.
Comment: This variant, c.1042_1053del, results in the deletion of 4 amino acid(s) of the SOX17 protein (p.Pro348_Pro351del), but otherwise preserves the integrity of the reading frame. This variant is present in population databases (no rsID available, gnomAD 0.001%). This variant has not been reported in the literature in individuals affected with SOX17-related conditions. Experimental studies and prediction algorithms are not available or were not evaluated, and the functional significance of this variant is currently unknown. In summary, the available evidence is currently insufficient to determine the role of this variant in disease. Therefore, it has been classified as a Variant of Uncertain Significance.

NM_022454.4(SOX17):c.1042_1053del (p.Pro348_Pro351del)

Gene: SOX17 (SRY-box transcription factor 17; plus strand). Cytogenetic location: 8q11.23.
Variant type: Deletion.
Coding change: c.1042_1053del on transcript NM_022454.4 (MANE Select); coding-DNA positions 1042 to 1053, 12 bases deleted (CCCAGTCAGCCC).
Protein change: p.Pro348_Pro351del.
Genome position (GRCh38, 1-based): chr8:54,459,792-54,459,803, CCCAGTCAGCCC deleted; deleting any 12 consecutive bases within chr8:54,459,791-54,459,803 gives the same sequence; the c. name uses the placement nearest the transcript's 3' end. VCF-style (leftmost placement, unchanged base first): chr8-54459790-ACCCCAGTCAGCC-A. GRCh37 (hg19) VCF-style: chr8-55372350-ACCCCAGTCAGCC-A.
Identifiers: ClinVar variation 4781228 (VCV004781228.1).